The following is an entry in ClinVar:

ClinVar aggregate classification (germline): Likely pathogenic. Review status: criteria provided, multiple submitters, no conflicts (2 of 4 stars). 2 submissions from 2 submitters: Likely pathogenic (2). Last evaluated 2023-03-27.

Conditions:
EPG5-related disorder. Also called: EPG5-related condition. Identifiers: MedGen CN381528.

Submissions (2):

Institute for Clinical Genetics, University Hospital TU Dresden, University Hospital TU Dresden
Classification: Likely pathogenic. Last evaluated: 2023-03-27. Review status: criteria provided, single submitter. Criteria: ACMG Guidelines, 2015. Collection method: clinical testing. Allele origin: maternal.
Comment: PVS1, PM2_SUP

PreventionGenetics, part of Exact Sciences
Classification: Likely pathogenic for EPG5-related condition. Last evaluated: 2022-11-21. Review status: criteria provided, single submitter. Criteria: ACMG Guidelines, 2015. Collection method: clinical testing. Allele origin: germline.
Comment: The EPG5 c.4735C>T variant is predicted to result in premature protein termination (p.Gln1579*). To our knowledge, this variant has not been reported in the literature or in a large population database, indicating this variant is rare. Nonsense variants in EPG5 are expected to be pathogenic. This variant is interpreted as likely pathogenic.

NM_020964.3(EPG5):c.4735C>T (p.Gln1579Ter)

Gene: EPG5 (ectopic P-granules 5 autophagy tethering factor; minus strand). Cytogenetic location: 18q12.3.
Variant type: single nucleotide variant.
Coding change: c.4735C>T on transcript NM_020964.3 (MANE Select); coding-DNA position 4735, C replaced by T.
Protein change: p.Gln1579Ter; replaces glutamine 1579 with a stop codon.
Molecular consequence: nonsense.
Genome position (GRCh38, 1-based): chr18:45,899,478, G>A on the plus strand (C>T on the coding strand, the complement: EPG5 is on the minus strand). VCF-style: chr18-45899478-G-A. GRCh37 (hg19) VCF-style: chr18-43479443-G-A.
Other names: c.4735C>T (NM_020964.2); c.4735C>T, p.Gln1579Ter (NM_001410858.1, NM_001410859.1); short protein forms Q1579*.
Identifiers: ClinVar variation 2576100 (VCV002576100.2), dbSNP rs2511700032, ClinGen allele CA402336904.